The following is an entry in ClinVar:

ClinVar aggregate classification (germline): Uncertain significance (1 of 4 stars; one submission).

Allele frequency attached by ClinVar (database versions not stated): gnomAD exomes below 0.00001.
gnomAD v4.1: 2 of 1,613,580 alleles (0.00012%); highest among the groups gnomAD compares: Non-Finnish European, 0.000085%; no homozygotes.

Submission:

Labcorp Genetics (formerly Invitae), Labcorp
Classification: Uncertain significance. Last evaluated: 2025-12-24. Review status: criteria provided, single submitter. Criteria: Invitae Variant Classification Sherloc (09022015). Collection method: clinical testing. Allele origin: germline.
Comment: This sequence change replaces serine, which is neutral and polar, with phenylalanine, which is neutral and non-polar, at codon 733 of the TCIRG1 protein (p.Ser733Phe). This variant is present in population databases (no rsID available, gnomAD 0.0009%). This missense change has been observed in individual(s) with osteopetrosis (PMID: 22231430). This variant is also known as c.2195C>T (p.Ser732Phe). ClinVar contains an entry for this variant (Variation ID: 2137174). Invitae Evidence Modeling of protein sequence and biophysical properties (such as structural, functional, and spatial information, amino acid conservation, physicochemical variation, residue mobility, and thermodynamic stability) indicates that this missense variant is expected to disrupt TCIRG1 protein function with a positive predictive value of 80%. In summary, the available evidence is currently insufficient to determine the role of this variant in disease. Therefore, it has been classified as a Variant of Uncertain Significance.

Literature cited by the submitters: PubMed 22231430.

NM_006019.4(TCIRG1):c.2198C>T (p.Ser733Phe)

Gene: TCIRG1 (T cell immune regulator 1, ATPase H+ transporting V0 subunit a3; plus strand). Cytogenetic location: 11q13.2.
Variant type: single nucleotide variant.
Coding change: c.2198C>T on transcript NM_006019.4 (MANE Select); coding-DNA position 2198, C replaced by T.
Protein change: p.Ser733Phe; replaces serine 733 with phenylalanine.
Molecular consequence: missense variant.
Genome position (GRCh38, 1-based): chr11:68,050,216, C>T. VCF-style: chr11-68050216-C-T. GRCh37 (hg19) VCF-style: chr11-67817683-C-T.
Other names: c.1304C>T, p.Ser435Phe (NM_001351059.2); c.1550C>T, p.Ser517Phe (NM_006053.4); short protein forms S435F, S517F, S733F.
Identifiers: ClinVar variation 2137174 (VCV002137174.2), dbSNP rs1248534307, ClinGen allele CA381590579.